The following is an entry in ClinVar:

NM_198859.4(PRICKLE2):c.400G>A (p.Gly134Arg)

Gene: PRICKLE2 (prickle planar cell polarity protein 2; minus strand). Cytogenetic location: 3p14.1.
Variant type: single nucleotide variant.
Coding change: c.400G>A on transcript NM_198859.4 (MANE Select); coding-DNA position 400, G replaced by A.
Protein change: p.Gly134Arg; replaces glycine 134 with arginine.
Molecular consequence: missense variant.
Genome position (GRCh38, 1-based): chr3:64,157,362, C>T on the plus strand (G>A on the coding strand, the complement: PRICKLE2 is on the minus strand). VCF-style: chr3-64157362-C-T. GRCh37 (hg19) VCF-style: chr3-64143038-C-T.
Other names: c.400G>A, p.Gly134Arg (NM_001370528.1); short protein forms G134R.
Identifiers: ClinVar variation 544245 (VCV000544245.7), dbSNP rs775889804, ClinGen allele CA2479823.

ClinVar aggregate classification (germline): Uncertain significance. Review status: criteria provided, multiple submitters, no conflicts (2 of 4 stars). 2 submissions from 2 submitters: Uncertain significance (2). Last evaluated 2022-08-26.

Conditions:
Progressive myoclonic epilepsy type 5. Identifiers: Orphanet 402082, MedGen C5190799.

Allele frequency attached by ClinVar (database versions not stated): gnomAD 0.00001; gnomAD exomes 0.00001; TOPMed 0.00001; ExAC 0.00003.
gnomAD v4.1: 11 of 1,612,776 alleles (0.00068%); highest among the groups gnomAD compares: South Asian, 0.0055%; no homozygotes.

Submissions (2):

Ambry Genetics
Classification: Uncertain significance. Last evaluated: 2022-08-26. Review status: criteria provided, single submitter. Criteria: Ambry Variant Classification Scheme 2023. Collection method: clinical testing. Allele origin: germline.

Labcorp Genetics (formerly Invitae), Labcorp
Classification: Uncertain significance for Progressive myoclonic epilepsy type 5. Last evaluated: 2017-12-22. Review status: criteria provided, single submitter. Criteria: Invitae Variant Classification Sherloc (09022015). Collection method: clinical testing. Allele origin: germline.
Comment: This sequence change replaces glycine with arginine at codon 134 of the PRICKLE2 protein (p.Gly134Arg). The glycine residue is highly conserved and there is a moderate physicochemical difference between glycine and arginine. This variant is present in population databases (rs775889804, ExAC 0.01%). This variant has not been reported in the literature in individuals with PRICKLE2-related disease. Algorithms developed to predict the effect of missense changes on protein structure and function do not agree on the potential impact of this missense change (SIFT: "Deleterious"; PolyPhen-2: "Benign"; Align-GVGD: "Class C0"). Algorithms developed to predict the effect of sequence changes on RNA splicing suggest that this variant may create or strengthen a splice site, but this prediction has not been confirmed by published transcriptional studies. In summary, the available evidence is currently insufficient to determine the role of this variant in disease. Therefore, it has been classified as a Variant of Uncertain Significance.